The following is an entry in ClinVar:

NM_015602.4(TOR1AIP1):c.371C>T (p.Thr124Met)

Genes: TOR1AIP1 (torsin 1A interacting protein 1; plus strand), LOC112577517 (Sharpr-MPRA regulatory region 13766; plus strand). Cytogenetic location: 1q25.2.
Variant type: single nucleotide variant.
Coding change: c.371C>T on transcript NM_015602.4 (MANE Select); coding-DNA position 371, C replaced by T.
Protein change: p.Thr124Met; replaces threonine 124 with methionine.
Molecular consequence: missense variant.
Genome position (GRCh38, 1-based): chr1:179,882,873, C>T. VCF-style: chr1-179882873-C-T. GRCh37 (hg19) VCF-style: chr1-179852008-C-T.
Other names: p.Thr124Met; c.371C>T (NM_015602.2); c.371C>T, p.Thr124Met (NM_001267578.2); short protein forms T124M.
Identifiers: ClinVar variation 847674 (VCV000847674.10), dbSNP rs377375784, ClinGen allele CA1268731.

ClinVar aggregate classification (germline): Uncertain significance. Review status: criteria provided, multiple submitters, no conflicts (2 of 4 stars). 6 submissions from 6 submitters: Uncertain significance (6). Last evaluated 2025-03-18.

Conditions:
Inborn genetic diseases. Identifiers: MedGen C0950123, MeSH D030342.
Autosomal recessive limb-girdle muscular dystrophy type 2Y (MRRSDC). Also called: Muscular dystrophy, limb-girdle, type 2y; Muscular dystrophy, autosomal recessive, with rigid spine and distal joint contractures. Identifiers: Orphanet 424261, MedGen C4511482, MONDO:0014900, OMIM 617072.

Allele frequency attached by ClinVar (database versions not stated): ESP Exome Variant Server 0.00008; gnomAD 0.00001; ExAC 0.00002; TOPMed 0.00002; gnomAD exomes 0.00005.
gnomAD v4.1: 24 of 1,614,084 alleles (0.0015%); highest among the groups gnomAD compares: Admixed American, 0.02%; 1 homozygote.

Submissions (6):

GeneDx
Classification: Uncertain significance. Last evaluated: 2025-03-18. Review status: criteria provided, single submitter. Criteria: GeneDx Variant Classification Process June 2021. Collection method: clinical testing. Allele origin: germline. Affected: yes.
Comment: In silico analysis supports that this missense variant has a deleterious effect on protein structure/function; Has not been previously published as pathogenic or benign to our knowledge

Ambry Genetics
Classification: Uncertain significance for Inborn genetic diseases. Last evaluated: 2025-03-16. Review status: criteria provided, single submitter. Criteria: Ambry Variant Classification Scheme 2023. Collection method: clinical testing. Allele origin: germline.

Mayo Clinic Laboratories, Mayo Clinic
Classification: Uncertain significance. Last evaluated: 2025-02-13. Review status: criteria provided, single submitter. Criteria: ACMG Guidelines, 2015. Collection method: clinical testing. Allele origin: germline. Observed: 1 variant allele.
Comment: BP4_moderate

Genome-Nilou Lab
Classification: Uncertain significance for Autosomal recessive limb-girdle muscular dystrophy type 2Y. Last evaluated: 2023-04-11. Review status: criteria provided, single submitter. Criteria: ACMG Guidelines, 2015. Collection method: clinical testing. Allele origin: germline. Affected: no.

Labcorp Genetics (formerly Invitae), Labcorp
Classification: Uncertain significance for Autosomal recessive limb-girdle muscular dystrophy type 2Y. Last evaluated: 2022-09-12. Review status: criteria provided, single submitter. Criteria: Invitae Variant Classification Sherloc (09022015). Collection method: clinical testing. Allele origin: germline.
Comment: This sequence change replaces threonine, which is neutral and polar, with methionine, which is neutral and non-polar, at codon 124 of the TOR1AIP1 protein (p.Thr124Met). This variant is present in population databases (rs377375784, gnomAD 0.04%), including at least one homozygous and/or hemizygous individual. This variant has not been reported in the literature in individuals affected with TOR1AIP1-related conditions. ClinVar contains an entry for this variant (Variation ID: 847674). Advanced modeling of protein sequence and biophysical properties (such as structural, functional, and spatial information, amino acid conservation, physicochemical variation, residue mobility, and thermodynamic stability) performed at Invitae indicates that this missense variant is expected to disrupt TOR1AIP1 protein function. In summary, the available evidence is currently insufficient to determine the role of this variant in disease. Therefore, it has been classified as a Variant of Uncertain Significance.

Revvity Omics, Revvity
Classification: Uncertain significance. Last evaluated: 2019-09-27. Review status: criteria provided, single submitter. Criteria: ACMG Guidelines, 2015. Collection method: clinical testing. Allele origin: germline.